The following is an entry in ClinVar:

ClinVar aggregate classification (germline): Conflicting classifications of pathogenicity. Review status: criteria provided, conflicting classifications (1 of 4 stars). 4 submissions from 4 submitters: Uncertain significance (1); Likely benign (2). 1 of the submissions does not count toward it. Last evaluated 2026-09-01.

Conditions:
CREBBP-related disorder. Also called: CREBBP-related disorders; CREBBP-related condition.
Rubinstein-Taybi syndrome (RSTS). Identifiers: Orphanet 783, MedGen C0035934, MONDO:0019188.
Inborn genetic diseases. Identifiers: MedGen C0950123, MeSH D030342.

Allele frequency attached by ClinVar (database versions not stated): ExAC 0.00005.
gnomAD v4.1: 70 of 1,612,156 alleles (0.0043%); highest among the groups gnomAD compares: Non-Finnish European, 0.0055%; no homozygotes.

Submissions (4):

CeGaT Center for Human Genetics Tuebingen
Classification: Likely benign. Last evaluated: 2026-09-01. Review status: criteria provided, single submitter. Criteria: CeGaT Center For Human Genetics Tuebingen Variant Classification Criteria Version 2. Collection method: clinical testing. Allele origin: germline. Affected: yes. Observed: 1 variant allele.
Comment: CREBBP: PP2, BP4, BS2

Labcorp Genetics (formerly Invitae), Labcorp
Classification: Likely benign for Rubinstein-Taybi syndrome. Last evaluated: 2024-07-30. Review status: criteria provided, single submitter. Criteria: Invitae Variant Classification Sherloc (09022015). Collection method: clinical testing. Allele origin: germline.

Ambry Genetics
Classification: Uncertain significance for Inborn genetic diseases. Last evaluated: 2017-07-27. Review status: criteria provided, single submitter. Criteria: Ambry Variant Classification Scheme 2023. Collection method: clinical testing. Allele origin: germline.
Comment: The p.P2255S variant (also known as c.6763C>T), located in coding exon 31 of the CREBBP gene, results from a C to T substitution at nucleotide position 6763. The proline at codon 2255 is replaced by serine, an amino acid with similar properties. This amino acid position is not well conserved in available vertebrate species. In addition, this alteration is predicted to be tolerated by in silico analysis. Since supporting evidence is limited at this time, the clinical significance of this alteration remains unclear.

PreventionGenetics, part of Exact Sciences
Classification: Likely benign for CREBBP-related condition. Last evaluated: 2022-10-25. Review status: no assertion criteria provided. Collection method: clinical testing. Allele origin: germline. Not counted in ClinVar's aggregate classification.
Comment: This variant is classified as likely benign based on ACMG/AMP sequence variant interpretation guidelines (Richards et al. 2015 PMID: 25741868, with internal and published modifications).

NM_004380.3(CREBBP):c.6763C>T (p.Pro2255Ser)

Gene: CREBBP (CREB binding lysine acetyltransferase; minus strand). Cytogenetic location: 16p13.3.
Variant type: single nucleotide variant.
Coding change: c.6763C>T on transcript NM_004380.3 (MANE Select); coding-DNA position 6763, C replaced by T.
Protein change: p.Pro2255Ser; replaces proline 2255 with serine.
Molecular consequence: missense variant.
Genome position (GRCh38, 1-based): chr16:3,728,284, G>A on the plus strand (C>T on the coding strand, the complement: CREBBP is on the minus strand). VCF-style: chr16-3728284-G-A. GRCh37 (hg19) VCF-style: chr16-3778285-G-A.
Other names: c.6649C>T, p.Pro2217Ser (NM_001079846.1); short protein forms P2255S, P2217S.
Identifiers: ClinVar variation 1755315 (VCV001755315.7), dbSNP rs754396803, ClinGen allele CA7869007.